The following is an entry in ClinVar:

ClinVar aggregate classification (germline): Pathogenic (1 of 4 stars; one submission).

Allele frequency attached by ClinVar (database versions not stated): gnomAD 0.00001; TOPMed 0.00001.

Submission:

Labcorp Genetics (formerly Invitae), Labcorp
Classification: Pathogenic. Last evaluated: 2023-08-04. Review status: criteria provided, single submitter. Criteria: Invitae Variant Classification Sherloc (09022015). Collection method: clinical testing. Allele origin: germline.
Comment: For these reasons, this variant has been classified as Pathogenic. This variant disrupts a region of the CCDC88C protein in which other variant(s) (p.Glu1949Glyfs*26) have been determined to be pathogenic (PMID: 23042809). This suggests that this is a clinically significant region of the protein, and that variants that disrupt it are likely to be disease-causing. This variant has not been reported in the literature in individuals affected with CCDC88C-related conditions. This variant is not present in population databases (gnomAD no frequency). This sequence change creates a premature translational stop signal (p.Glu1833Glyfs*19) in the CCDC88C gene. While this is not anticipated to result in nonsense mediated decay, it is expected to disrupt the last 196 amino acid(s) of the CCDC88C protein.

Literature cited by the submitters: PubMed 23042809.

NM_001080414.4(CCDC88C):c.5496_5506del (p.Glu1833fs)

Gene: CCDC88C (coiled-coil and HOOK domain protein 88C; minus strand). Cytogenetic location: 14q32.11.
Variant type: Deletion.
Coding change: c.5496_5506del on transcript NM_001080414.4 (MANE Select); coding-DNA positions 5496 to 5506, 11 bases deleted (TGAGGCCTTAG).
Protein change: p.Glu1833fs; shifts the reading frame from glutamic acid 1833.
Molecular consequence: frameshift variant.
Genome position (GRCh38, 1-based): chr14:91,273,206-91,273,216, CTAAGGCCTCA deleted on the plus strand (TGAGGCCTTAG on the coding strand, the reverse complement: CCDC88C is on the minus strand). VCF-style (leftmost placement, unchanged base first): chr14-91273205-CCTAAGGCCTCA-C. GRCh37 (hg19) VCF-style: chr14-91739549-CCTAAGGCCTCA-C.
Other names: short protein forms E1833fs.
Identifiers: ClinVar variation 3023508 (VCV003023508.3), dbSNP rs1287488544, ClinGen allele CA709861604.